The following is an entry in ClinVar:

NM_015340.4(LARS2):c.529T>A (p.Cys177Ser)

Gene: LARS2 (leucyl-tRNA synthetase 2, mitochondrial; plus strand). Cytogenetic location: 3p21.31.
Variant type: single nucleotide variant.
Coding change: c.529T>A on transcript NM_015340.4 (MANE Select); coding-DNA position 529, T replaced by A.
Protein change: p.Cys177Ser; replaces cysteine 177 with serine.
Molecular consequence: missense variant.
Genome position (GRCh38, 1-based): chr3:45,446,903, T>A. VCF-style: chr3-45446903-T-A. GRCh37 (hg19) VCF-style: chr3-45488395-T-A.
Other names: c.529T>A, p.Cys177Ser (NM_001368263.1); short protein forms C177S.
Identifiers: ClinVar variation 1338901 (VCV001338901.4), dbSNP rs1322452155, ClinGen allele CA352977579.

ClinVar aggregate classification (germline): Uncertain significance. Review status: criteria provided, multiple submitters, no conflicts (2 of 4 stars). 2 submissions from 2 submitters: Uncertain significance (2). Last evaluated 2022-06-30.

Conditions:
Inborn genetic diseases. Identifiers: MedGen C0950123, MeSH D030342.

Allele frequency attached by ClinVar (database versions not stated): gnomAD exomes below 0.00001; TOPMed below 0.00001.
gnomAD v4.1: 17 of 1,607,894 alleles (0.0011%); highest among the groups gnomAD compares: Non-Finnish European, 0.0014%; no homozygotes.

Submissions (2):

Ambry Genetics
Classification: Uncertain significance for Inborn genetic diseases. Last evaluated: 2022-06-30. Review status: criteria provided, single submitter. Criteria: Ambry Variant Classification Scheme 2023. Collection method: clinical testing. Allele origin: germline.

GeneDx
Classification: Uncertain significance. Last evaluated: 2022-01-31. Review status: criteria provided, single submitter. Criteria: GeneDx Variant Classification Process June 2021. Collection method: clinical testing. Allele origin: germline. Affected: yes.
Comment: Not observed at significant frequency in large population cohorts (gnomAD); In silico analysis supports that this missense variant has a deleterious effect on protein structure/function; Has not been previously published as pathogenic or benign to our knowledge